The following is an entry in ClinVar:

ClinVar aggregate classification (germline): Uncertain significance (1 of 4 stars; one submission).

Submission:

Labcorp Genetics (formerly Invitae), Labcorp
Classification: Uncertain significance. Last evaluated: 2025-10-23. Review status: criteria provided, single submitter. Criteria: Invitae Variant Classification Sherloc (09022015). Collection method: clinical testing. Allele origin: germline.
Comment: This sequence change replaces valine, which is neutral and non-polar, with alanine, which is neutral and non-polar, at codon 2253 of the ANK3 protein (p.Val2253Ala). This variant is not present in population databases (gnomAD no frequency). This variant has not been reported in the literature in individuals affected with ANK3-related conditions. Invitae Evidence Modeling of protein sequence and biophysical properties (such as structural, functional, and spatial information, amino acid conservation, physicochemical variation, residue mobility, and thermodynamic stability) indicates that this missense variant is not expected to disrupt ANK3 protein function with a negative predictive value of 80%. In summary, the available evidence is currently insufficient to determine the role of this variant in disease. Therefore, it has been classified as a Variant of Uncertain Significance.

NM_020987.5(ANK3):c.6758T>C (p.Val2253Ala)

Gene: ANK3 (ankyrin 3; minus strand). Cytogenetic location: 10q21.2.
Variant type: single nucleotide variant.
Coding change: c.6758T>C on transcript NM_020987.5 (MANE Select); coding-DNA position 6758, T replaced by C.
Protein change: p.Val2253Ala; replaces valine 2253 with alanine.
Molecular consequence: missense variant. On other transcripts: intron variant (4).
Genome position (GRCh38, 1-based): chr10:60,074,123, A>G on the plus strand (T>C on the coding strand, the complement: ANK3 is on the minus strand). VCF-style: chr10-60074123-A-G. GRCh37 (hg19) VCF-style: chr10-61833881-A-G.
Other names: c.4388-6114T>C (NM_001204403.2); c.4409-6114T>C (NM_001204404.2); c.4406-6114T>C (NM_001320874.2); c.1808-6114T>C (NM_001149.4); short protein forms V2253A.
Identifiers: ClinVar variation 4768977 (VCV004768977.1).